The following is an entry in ClinVar:

ClinVar aggregate classification (germline): Uncertain significance (1 of 4 stars; one submission).

Allele frequency attached by ClinVar (database versions not stated): gnomAD exomes below 0.00001.
gnomAD v4.1: 1 of 1,252,532 alleles (0.00008%); highest among the groups gnomAD compares: South Asian, 0.0014%; no homozygotes.

Submission:

Labcorp Genetics (formerly Invitae), Labcorp
Classification: Uncertain significance. Last evaluated: 2022-11-12. Review status: criteria provided, single submitter. Criteria: Invitae Variant Classification Sherloc (09022015). Collection method: clinical testing. Allele origin: germline.
Comment: In summary, the available evidence is currently insufficient to determine the role of this variant in disease. Therefore, it has been classified as a Variant of Uncertain Significance. Algorithms developed to predict the effect of missense changes on protein structure and function are either unavailable or do not agree on the potential impact of this missense change (SIFT: "Deleterious"; PolyPhen-2: "Probably Damaging"; Align-GVGD: "Class C0"). This variant has not been reported in the literature in individuals affected with MKL1-related conditions. This variant is not present in population databases (gnomAD no frequency). This sequence change replaces cysteine, which is neutral and slightly polar, with arginine, which is basic and polar, at codon 584 of the MKL1 protein (p.Cys584Arg).

NM_020831.6(MRTFA):c.2050T>C (p.Cys684Arg)

Gene: MRTFA (myocardin related transcription factor A; minus strand). Cytogenetic location: 22q13.1.
Variant type: single nucleotide variant.
Coding change: c.2050T>C on transcript NM_020831.6 (MANE Select); coding-DNA position 2050, T replaced by C.
Protein change: p.Cys684Arg; replaces cysteine 684 with arginine.
Molecular consequence: missense variant.
Genome position (GRCh38, 1-based): chr22:40,418,688, A>G on the plus strand (T>C on the coding strand, the complement: MRTFA is on the minus strand). VCF-style: chr22-40418688-A-G. GRCh37 (hg19) VCF-style: chr22-40814692-A-G.
Other names: c.1750T>C, p.Cys584Arg (NM_001282660.2); c.1900T>C, p.Cys634Arg (NM_001282661.3); c.2050T>C, p.Cys684Arg (NM_001282662.3); c.1855T>C, p.Cys619Arg (NM_001318139.2); short protein forms C584R, C619R, C684R, C634R.
Identifiers: ClinVar variation 2813828 (VCV002813828.3), dbSNP rs2517813711, ClinGen allele CA411658621.